The following is an entry in ClinVar:

ClinVar aggregate classification (germline): Uncertain significance (1 of 4 stars; one submission).

Submission:

Labcorp Genetics (formerly Invitae), Labcorp
Classification: Uncertain significance. Last evaluated: 2025-08-03. Review status: criteria provided, single submitter. Criteria: Invitae Variant Classification Sherloc (09022015). Collection method: clinical testing. Allele origin: germline.
Comment: This sequence change replaces alanine, which is neutral and non-polar, with serine, which is neutral and polar, at codon 308 of the ACTN1 protein (p.Ala308Ser). This variant is not present in population databases (gnomAD no frequency). This variant has not been reported in the literature in individuals affected with ACTN1-related conditions. Invitae Evidence Modeling of protein sequence and biophysical properties (such as structural, functional, and spatial information, amino acid conservation, physicochemical variation, residue mobility, and thermodynamic stability) indicates that this missense variant is not expected to disrupt ACTN1 protein function with a negative predictive value of 80%. In summary, the available evidence is currently insufficient to determine the role of this variant in disease. Therefore, it has been classified as a Variant of Uncertain Significance.

NM_001130004.2(ACTN1):c.922G>T (p.Ala308Ser)

Gene: ACTN1 (actinin alpha 1; minus strand). Cytogenetic location: 14q24.1.
Variant type: single nucleotide variant.
Coding change: c.922G>T on transcript NM_001130004.2 (MANE Select); coding-DNA position 922, G replaced by T.
Protein change: p.Ala308Ser; replaces alanine 308 with serine.
Molecular consequence: missense variant.
Genome position (GRCh38, 1-based): chr14:68,892,217, C>A on the plus strand (G>T on the coding strand, the complement: ACTN1 is on the minus strand). VCF-style: chr14-68892217-C-A. GRCh37 (hg19) VCF-style: chr14-69358934-C-A.
Other names: c.922G>T, p.Ala308Ser (NM_001130005.2, NM_001411035.1, NM_001424012.1 and 9 more transcripts); c.727G>T, p.Ala243Ser (NM_001411036.1, NM_001424028.1, NM_001424026.1); c.1048G>T, p.Ala350Ser (NM_001424013.1); c.1009G>T, p.Ala337Ser (NM_001424015.1); c.919G>T, p.Ala307Ser (NM_001424017.1); c.97G>T, p.Ala33Ser (NM_001424030.1); c.859G>T, p.Ala287Ser (NM_001424018.1, NM_001424020.1, NM_001424022.1); c.853G>T, p.Ala285Ser (NM_001424021.1); short protein forms A307S, A33S, A287S, A337S, A285S, A308S, A243S, A350S.
Identifiers: ClinVar variation 4773074 (VCV004773074.1).